The following is an entry in ClinVar:

NM_020944.3(GBA2):c.406C>A (p.Pro136Thr)

Gene: GBA2 (glucosylceramidase beta 2; minus strand). Cytogenetic location: 9p13.3.
Variant type: single nucleotide variant.
Coding change: c.406C>A on transcript NM_020944.3 (MANE Select); coding-DNA position 406, C replaced by A.
Protein change: p.Pro136Thr; replaces proline 136 with threonine.
Molecular consequence: missense variant.
Genome position (GRCh38, 1-based): chr9:35,744,660, G>T on the plus strand (C>A on the coding strand, the complement: GBA2 is on the minus strand). VCF-style: chr9-35744660-G-T. GRCh37 (hg19) VCF-style: chr9-35744657-G-T.
Other names: c.406C>A, p.Pro136Thr (NM_001330660.2); short protein forms P136T.
Identifiers: ClinVar variation 941192 (VCV000941192.9), dbSNP rs767302670, ClinGen allele CA5050731.

ClinVar aggregate classification (germline): Uncertain significance (1 of 4 stars; one submission).

Conditions:
Spastic paraplegia. Identifiers: MedGen C0037772, HP:0001258.

Allele frequency attached by ClinVar (database versions not stated): gnomAD exomes below 0.00001; ExAC 0.00001.
gnomAD v4.1: 1 of 1,610,958 alleles (0.000062%); highest among the groups gnomAD compares: East Asian, 0.0022%; no homozygotes.

Submission:

Labcorp Genetics (formerly Invitae), Labcorp
Classification: Uncertain significance for Spastic paraplegia. Last evaluated: 2023-08-24. Review status: criteria provided, single submitter. Criteria: Invitae Variant Classification Sherloc (09022015). Collection method: clinical testing. Allele origin: germline.
Comment: In summary, the available evidence is currently insufficient to determine the role of this variant in disease. Therefore, it has been classified as a Variant of Uncertain Significance. An algorithm developed to predict the effect of missense changes on protein structure and function (PolyPhen-2) suggests that this variant is likely to be tolerated. ClinVar contains an entry for this variant (Variation ID: 941192). This variant has not been reported in the literature in individuals affected with GBA2-related conditions. This variant is present in population databases (rs767302670, gnomAD 0.006%). This sequence change replaces proline, which is neutral and non-polar, with threonine, which is neutral and polar, at codon 136 of the GBA2 protein (p.Pro136Thr).